The following is an entry in ClinVar:

ClinVar aggregate classification (germline): Uncertain significance (1 of 4 stars; one submission).

Conditions:
Ataxia-telangiectasia syndrome (AT). Also called: Ataxia telangiectasia (A-T); Ataxia-telangiectasia, complementation group D; AT, COMPLEMENTATION GROUP C; ATAXIA-TELANGIECTASIA, COMPLEMENTATION GROUP A; Ataxia-telangiectasia, complementation group E; ATAXIA-TELANGIECTASIA, FRESNO VARIANT. Identifiers: Orphanet 100, MedGen C0004135, MONDO:0008840, OMIM 208900.

Allele frequency attached by ClinVar (database versions not stated): gnomAD exomes below 0.00001; ExAC 0.00001.
gnomAD v4.1: 3 of 1,613,862 alleles (0.00019%); highest among the groups gnomAD compares: Non-Finnish European, 0.00025%; no homozygotes.

Submission:

Labcorp Genetics (formerly Invitae), Labcorp
Classification: Uncertain significance for Ataxia-telangiectasia syndrome. Last evaluated: 2025-05-18. Review status: criteria provided, single submitter. Criteria: Invitae Variant Classification Sherloc (09022015). Collection method: clinical testing. Allele origin: germline.
Comment: This sequence change replaces glutamine, which is neutral and polar, with arginine, which is basic and polar, at codon 14 of the ATM protein (p.Gln14Arg). This variant is present in population databases (rs749776879, gnomAD 0.0009%). This variant has not been reported in the literature in individuals affected with ATM-related conditions. ClinVar contains an entry for this variant (Variation ID: 568034). Invitae Evidence Modeling of protein sequence and biophysical properties (such as structural, functional, and spatial information, amino acid conservation, physicochemical variation, residue mobility, and thermodynamic stability) indicates that this missense variant is not expected to disrupt ATM protein function with a negative predictive value of 95%. In summary, the available evidence is currently insufficient to determine the role of this variant in disease. Therefore, it has been classified as a Variant of Uncertain Significance.

NM_000051.4(ATM):c.41A>G (p.Gln14Arg)

Gene: ATM (ATM serine/threonine kinase; plus strand). Cytogenetic location: 11q22.3.
Variant type: single nucleotide variant.
Coding change: c.41A>G on transcript NM_000051.4 (MANE Select); coding-DNA position 41, A replaced by G.
Protein change: p.Gln14Arg; replaces glutamine 14 with arginine.
Molecular consequence: missense variant.
Genome position (GRCh38, 1-based): chr11:108,227,665, A>G. VCF-style: chr11-108227665-A-G. GRCh37 (hg19) VCF-style: chr11-108098392-A-G.
Other names: c.41A>G, p.Gln14Arg (NM_001351834.2, NM_001351835.2, NM_001351836.2); short protein forms Q14R.
Identifiers: ClinVar variation 568034 (VCV000568034.7), dbSNP rs749776879, ClinGen allele CA6264498.